The following is an entry in ClinVar:

NM_000130.5(F5):c.5446C>T (p.Pro1816Ser)

Gene: F5 (coagulation factor V; minus strand). Cytogenetic location: 1q24.2.
Variant type: single nucleotide variant.
Coding change: c.5446C>T on transcript NM_000130.5 (MANE Select); coding-DNA position 5446, C replaced by T.
Protein change: p.Pro1816Ser; replaces proline 1816 with serine.
Molecular consequence: missense variant.
Genome position (GRCh38, 1-based): chr1:169,528,068, G>A on the plus strand (C>T on the coding strand, the complement: F5 is on the minus strand). VCF-style: chr1-169528068-G-A. GRCh37 (hg19) VCF-style: chr1-169497306-G-A.
Other names: short protein forms P1816S.
Identifiers: ClinVar variation 876694 (VCV000876694.34), dbSNP rs141977229, ClinGen allele CA1233496.

ClinVar aggregate classification (germline): Conflicting classifications of pathogenicity. Review status: criteria provided, conflicting classifications (1 of 4 stars). 9 submissions from 6 submitters: Uncertain significance (6); Benign (2); Likely benign (1). Last evaluated 2026-02-03.

Conditions:
Congenital factor V deficiency. Also called: Hereditary factor V deficiency disease; OWREN PARAHEMOPHILIA; PARAHEMOPHILIA; LABILE FACTOR DEFICIENCY. Identifiers: Orphanet 326, MedGen C0015499, MONDO:0009210, OMIM 227400.
Budd-Chiari syndrome (BDCHS). Also called: Hepatic vein obstruction. Identifiers: Orphanet 131, MedGen C0856761, MONDO:0010947, OMIM 600880, HP:0002639.
Thrombophilia due to activated protein C resistance (THPH2). Also called: Activated protein C resistance; PCCF DEFICIENCY; PROC COFACTOR DEFICIENCY; APC resistance; THROMBOPHILIA DUE TO DEFICIENCY OF ACTIVATED PROTEIN C COFACTOR; THROMBOPHILIA V. Identifiers: MedGen C1861171, MONDO:0008560, OMIM 188055. Disease mechanism: gain of function, loss of function.
Factor V deficiency. Also called: Reduced coagulation factor V activity. Identifiers: Orphanet 326, MedGen C4317320, MONDO:0020586, HP:0003225.
Thrombophilia due to thrombin defect (THPH1). Also called: Thrombosis susceptibility; THROMBOPHILIA DUE TO FACTOR 2 DEFECT; Prothrombin-Related Thrombophilia (Factor II); Prothrombin Thrombophilia. Identifiers: MedGen C3160733, MONDO:0008559, OMIM 188050. Disease mechanism: gain of function, loss of function.
F5-related disorder. Also called: F5-related condition.

Allele frequency attached by ClinVar (database versions not stated): gnomAD exomes 0.00057 and 0.00105; TOPMed 0.00068; gnomAD 0.00075 and 0.00076; ExAC 0.00094; ESP Exome Variant Server 0.00115.
gnomAD v4.1: 967 of 1,613,888 alleles (0.06%); highest among the groups gnomAD compares: Non-Finnish European, 0.036%; 2 homozygotes.

Submissions (9):

Labcorp Genetics (formerly Invitae), Labcorp
Classification: Benign for Congenital factor V deficiency. Last evaluated: 2026-02-03. Review status: criteria provided, single submitter. Criteria: Invitae Variant Classification Sherloc (09022015). Collection method: clinical testing. Allele origin: germline.

PreventionGenetics, part of Exact Sciences
Classification: Uncertain significance for F5-related condition. Last evaluated: 2025-04-22. Review status: criteria provided, single submitter. Criteria: ACMG Guidelines, 2015. Collection method: clinical testing. Allele origin: germline.
Comment: The F5 c.5446C>T variant is predicted to result in the amino acid substitution p.Pro1816Ser. This variant was reported in an individual with Factor V deficiency (referred to as Pro1788Ser, Delev et al. 2009. PubMed ID: 19486170). This variant is reported in 1.7% of alleles in individuals of Ashkenazi Jewish descent in gnomAD. At this time, the clinical significance of this variant is uncertain due to the absence of conclusive functional and genetic evidence.

Blueprint Genetics
Classification: Likely benign. Last evaluated: 2024-11-19. Review status: criteria provided, single submitter. Criteria: ACMG Guidelines, 2015. Collection method: clinical testing. Allele origin: germline.

CeGaT Center for Human Genetics Tuebingen
Classification: Benign. Last evaluated: 2024-11-01. Review status: criteria provided, single submitter. Criteria: CeGaT Center For Human Genetics Tuebingen Variant Classification Criteria Version 2. Collection method: clinical testing. Allele origin: germline. Affected: yes. Observed: 2 variant alleles.
Comment: F5: BS1, BS2

Illumina Laboratory Services, Illumina
Classification: Uncertain significance for Budd-Chiari syndrome. Last evaluated: 2017-04-27. Review status: criteria provided, single submitter. Criteria: ICSL Variant Classification Criteria 13 December 2019. Collection method: clinical testing. Allele origin: germline.

Illumina Laboratory Services, Illumina
Classification: Uncertain significance for Thrombophilia due to activated protein C resistance. Last evaluated: 2017-04-27. Review status: criteria provided, single submitter. Criteria: ICSL Variant Classification Criteria 13 December 2019. Collection method: clinical testing. Allele origin: germline.

Illumina Laboratory Services, Illumina
Classification: Uncertain significance for Venous thrombosis. Last evaluated: 2017-04-27. Review status: criteria provided, single submitter. Criteria: ICSL Variant Classification Criteria 13 December 2019. Collection method: clinical testing. Allele origin: germline.

Illumina Laboratory Services, Illumina
Classification: Uncertain significance for Congenital factor V deficiency. Last evaluated: 2017-04-27. Review status: criteria provided, single submitter. Criteria: ICSL Variant Classification Criteria 13 December 2019. Collection method: clinical testing. Allele origin: germline.

ISTH-SSC Genomics in Thrombosis and Hemostasis, KU Leuven, Center for Molecular and Vascular Biology
Classification: Uncertain significance for Thrombophilia due to activated protein C resistance. Review status: criteria provided, single submitter. Criteria: ACMG Guidelines, 2015. Collection method: clinical testing. Allele origin: germline. Affected: yes. Observed: 1 heterozygote.
Comment: Submitted to the GoldVariant database by Kathleen Freson, Center for Molecular and Vascular Biology